The following is an entry in ClinVar:

NM_025114.4(CEP290):c.4682G>C (p.Arg1561Pro)

Gene: CEP290 (centrosomal protein 290; minus strand). Cytogenetic location: 12q21.32.
Variant type: single nucleotide variant.
Coding change: c.4682G>C on transcript NM_025114.4 (MANE Select); coding-DNA position 4682, G replaced by C.
Protein change: p.Arg1561Pro; replaces arginine 1561 with proline.
Molecular consequence: missense variant.
Genome position (GRCh38, 1-based): chr12:88,084,608, C>G on the plus strand (G>C on the coding strand, the complement: CEP290 is on the minus strand). VCF-style: chr12-88084608-C-G. GRCh37 (hg19) VCF-style: chr12-88478385-C-G.
Other names: short protein forms R1561P.
Identifiers: ClinVar variation 2188590 (VCV002188590.4), dbSNP rs371157150, ClinGen allele CA6711891.
Genomic context (GRCh38, chr12:88,084,608, plus strand): 5'-TAATGGATAACAGCATAACTCATAATATAATAAAATACCTCTCTGGCTTTTTCTAGAAGA[C>G]GTTGATACTTCTTTAATACTTCTTCTTTTTGATTTAACCTTGCTTGCATGTTTGCAATGG-3'
Protein context (NP_079390.3, residues 1551-1571): QKEEVLKKYQ[Arg1561Pro]LLEKAREEQR

ClinVar aggregate classification (germline): Uncertain significance. Review status: criteria provided, single submitter (1 of 4 stars). 2 submissions from 2 submitters: Uncertain significance (1). 1 of the submissions does not count toward it. Last evaluated 2024-10-07.

Conditions:
Retinal dystrophy. Also called: Inherited retinal dystrophy. Identifiers: Orphanet 71862, MedGen C0854723, MeSH D058499, MONDO:0019118, HP:0000556.
Joubert syndrome. Also called: CEREBELLOPARENCHYMAL DISORDER IV; JOUBERT-BOLTSHAUSER SYNDROME; Familial aplasia of the vermis. Identifiers: Orphanet 475, MedGen C5979921, MONDO:0018772.
Nephronophthisis. Also called: Juvenile Nephronophthisis. Identifiers: Orphanet 655, MedGen C0687120, MONDO:0019005, HP:0000090.
Meckel-Gruber syndrome. Also called: DYSENCEPHALIA SPLANCHNOCYSTICA; GRUBER SYNDROME; Dysencephalia splachnocystica. Identifiers: Orphanet 564, MedGen C0265215, MONDO:0018921.

Submissions (2):

Labcorp Genetics (formerly Invitae), Labcorp
Classification: Uncertain significance for Joubert syndrome; Meckel-Gruber syndrome; Nephronophthisis. Last evaluated: 2024-10-07. Review status: criteria provided, single submitter. Criteria: Invitae Variant Classification Sherloc (09022015). Collection method: clinical testing. Allele origin: germline.
Comment: This sequence change replaces arginine, which is basic and polar, with proline, which is neutral and non-polar, at codon 1561 of the CEP290 protein (p.Arg1561Pro). This variant is present in population databases (rs371157150, gnomAD 0.004%). This variant has not been reported in the literature in individuals affected with CEP290-related conditions. ClinVar contains an entry for this variant (Variation ID: 2188590). Invitae Evidence Modeling of protein sequence and biophysical properties (such as structural, functional, and spatial information, amino acid conservation, physicochemical variation, residue mobility, and thermodynamic stability) indicates that this missense variant is not expected to disrupt CEP290 protein function with a negative predictive value of 80%. In summary, the available evidence is currently insufficient to determine the role of this variant in disease. Therefore, it has been classified as a Variant of Uncertain Significance.

Institute of Human Genetics, Univ. Regensburg, Univ. Regensburg
Classification: Uncertain significance for Retinal dystrophy. Last evaluated: 2021-01-01. Review status: no assertion criteria provided. Criteria: ACMG Guidelines, 2015. Collection method: clinical testing. Allele origin: germline. Affected: yes. Not counted in ClinVar's aggregate classification.